The following is an entry in ClinVar:

NM_001134673.4(NFIA):c.486T>C (p.Cys162=)

Gene: NFIA (nuclear factor I A; plus strand). Cytogenetic location: 1p31.3.
Variant type: single nucleotide variant.
Coding change: c.486T>C on transcript NM_001134673.4 (MANE Select); coding-DNA position 486, T replaced by C.
Protein change: p.Cys162=; no amino-acid change (cysteine 162 retained).
Molecular consequence: synonymous variant.
Genome position (GRCh38, 1-based): chr1:61,088,607, T>C. VCF-style: chr1-61088607-T-C. GRCh37 (hg19) VCF-style: chr1-61554279-T-C.
Other names: c.462T>C, p.Cys154= (NM_001145511.2); c.621T>C, p.Cys207= (NM_001145512.2); c.486T>C, p.Cys162= (NM_005595.5).
Identifiers: ClinVar variation 2638852 (VCV002638852.27), dbSNP rs760931904, ClinGen allele CA880944.

ClinVar aggregate classification (germline): Likely benign. Review status: criteria provided, multiple submitters, no conflicts (2 of 4 stars). 2 submissions from 2 submitters: Likely benign (2). Last evaluated 2023-05-22.

Allele frequency attached by ClinVar (database versions not stated): TOPMed below 0.00001; gnomAD 0.00001; gnomAD exomes 0.00001; ExAC 0.00002.
gnomAD v4.1: 12 of 1,614,070 alleles (0.00074%); highest among the groups gnomAD compares: South Asian, 0.0099%; 1 homozygote.

Submissions (2):

Labcorp Genetics (formerly Invitae), Labcorp
Classification: Likely benign. Last evaluated: 2023-05-22. Review status: criteria provided, single submitter. Criteria: Invitae Variant Classification Sherloc (09022015). Collection method: clinical testing. Allele origin: germline.

CeGaT Center for Human Genetics Tuebingen
Classification: Likely benign. Last evaluated: 2022-12-01. Review status: criteria provided, single submitter. Criteria: CeGaT Center For Human Genetics Tuebingen Variant Classification Criteria Version 2. Collection method: clinical testing. Allele origin: germline. Affected: yes. Observed: 1 variant allele.
Comment: NFIA: BP4, BP7